The following is an entry in ClinVar:

NM_199420.4(POLQ):c.5506C>G (p.Leu1836Val)

Gene: POLQ (DNA polymerase theta; minus strand). Cytogenetic location: 3q13.33.
Variant type: single nucleotide variant.
Coding change: c.5506C>G on transcript NM_199420.4 (MANE Select); coding-DNA position 5506, C replaced by G.
Protein change: p.Leu1836Val; replaces leucine 1836 with valine.
Molecular consequence: missense variant.
Genome position (GRCh38, 1-based): chr3:121,487,425, G>C on the plus strand (C>G on the coding strand, the complement: POLQ is on the minus strand). VCF-style: chr3-121487425-G-C. GRCh37 (hg19) VCF-style: chr3-121206272-G-C.
Other names: short protein forms L1836V.
Identifiers: ClinVar variation 2625867 (VCV002625867.2), dbSNP rs2546784662, ClinGen allele CA354090031.

ClinVar aggregate classification (germline): Uncertain significance (1 of 4 stars; one submission).

gnomAD v4.1: 1 of 1,614,028 alleles (0.000062%); no homozygotes.

Submission:

Ambry Genetics
Classification: Uncertain significance. Last evaluated: 2023-08-30. Review status: criteria provided, single submitter. Criteria: Ambry Variant Classification Scheme 2023. Collection method: clinical testing. Allele origin: germline.
Comment: The p.L1836V variant (also known as c.5506C>G), located in coding exon 16 of the POLQ gene, results from a C to G substitution at nucleotide position 5506. The leucine at codon 1836 is replaced by valine, an amino acid with highly similar properties. This amino acid position is conserved. In addition, the in silico prediction for this alteration is inconclusive. Since supporting evidence is limited at this time, the clinical significance of this alteration remains unclear.